The following is an entry in ClinVar:

ClinVar aggregate classification (germline): Uncertain significance (1 of 4 stars; one submission).

Conditions:
Infantile spasms. Also called: Infantile spasm. Identifiers: MedGen C3887898, HP:0012469.

Submission:

Labcorp Genetics (formerly Invitae), Labcorp
Classification: Uncertain significance for Infantile spasms. Last evaluated: 2024-02-12. Review status: criteria provided, single submitter. Criteria: Invitae Variant Classification Sherloc (09022015). Collection method: clinical testing. Allele origin: germline.
Comment: This sequence change replaces valine, which is neutral and non-polar, with phenylalanine, which is neutral and non-polar, at codon 512 of the PIK3AP1 protein (p.Val512Phe). This variant is not present in population databases (gnomAD no frequency). This variant has not been reported in the literature in individuals affected with PIK3AP1-related conditions. ClinVar contains an entry for this variant (Variation ID: 1425834). An algorithm developed to predict the effect of missense changes on protein structure and function (PolyPhen-2) suggests that this variant is likely to be disruptive. In summary, the available evidence is currently insufficient to determine the role of this variant in disease. Therefore, it has been classified as a Variant of Uncertain Significance.

NM_152309.3(PIK3AP1):c.1534G>T (p.Val512Phe)

Gene: PIK3AP1 (phosphoinositide-3-kinase adaptor protein 1; minus strand). Cytogenetic location: 10q24.1.
Variant type: single nucleotide variant.
Coding change: c.1534G>T on transcript NM_152309.3 (MANE Select); coding-DNA position 1534, G replaced by T.
Protein change: p.Val512Phe; replaces valine 512 with phenylalanine.
Molecular consequence: missense variant.
Genome position (GRCh38, 1-based): chr10:96,626,843, C>A on the plus strand (G>T on the coding strand, the complement: PIK3AP1 is on the minus strand). VCF-style: chr10-96626843-C-A. GRCh37 (hg19) VCF-style: chr10-98386600-C-A.
Other names: short protein forms V512F.
Identifiers: ClinVar variation 1425834 (VCV001425834.8), dbSNP rs2134207401, ClinGen allele CA377756043.